The following is an entry in ClinVar:

NM_015448.3(DPCD):c.132G>A (p.Thr44=)

Gene: DPCD (deleted in primary ciliary dyskinesia homolog (mouse); plus strand). Cytogenetic location: 10q24.32.
Variant type: single nucleotide variant.
Coding change: c.132G>A on transcript NM_015448.3 (MANE Select); coding-DNA position 132, G replaced by A.
Protein change: p.Thr44=; no amino-acid change (threonine 44 retained).
Molecular consequence: synonymous variant. On other transcripts: 5 prime UTR variant (1).
Genome position (GRCh38, 1-based): chr10:101,594,725, G>A. VCF-style: chr10-101594725-G-A. GRCh37 (hg19) VCF-style: chr10-103354482-G-A.
Other names: c.132G>A, p.Thr44= (NM_001329742.2, NM_001329743.2, NM_001329744.2 and 1 more transcripts); c.-209G>A (NM_001329745.2).
Identifiers: ClinVar variation 4989545 (VCV004989545.1).

ClinVar aggregate classification (germline): Likely benign (1 of 4 stars; one submission).

Conditions:
DPCD-related condition.

gnomAD v4.1: 18 of 1,614,028 alleles (0.0011%); highest among the groups gnomAD compares: Admixed American, 0.0017%; no homozygotes.

Submission:

PreventionGenetics, part of Exact Sciences
Classification: Likely benign for DPCD-related condition. Last evaluated: 2025-10-23. Review status: criteria provided, single submitter. Criteria: ACMG Guidelines, 2015. Collection method: clinical testing. Allele origin: germline.
Comment: This variant is classified as likely benign based on ACMG/AMP sequence variant interpretation guidelines (Richards et al. 2015 PMID: 25741868, with internal and published modifications).